The following is an entry in ClinVar:

ClinVar aggregate classification (germline): Uncertain significance (1 of 4 stars; one submission).

Conditions:
Brugada syndrome. Also called: Sudden Unexplained Death Syndrome; Sudden Unexplained Nocturnal Death Syndrome (SUNDS); Sudden unexpected nocturnal death syndrome; Sudden unexplained nocturnal death syndrome. Identifiers: Orphanet 130, MedGen C1142166, MONDO:0015263.

gnomAD v4.1: 16 of 1,614,148 alleles (0.00099%); highest among the groups gnomAD compares: Non-Finnish European, 0.0014%; no homozygotes.

Submission:

Labcorp Genetics (formerly Invitae), Labcorp
Classification: Uncertain significance for Brugada syndrome. Last evaluated: 2022-11-15. Review status: criteria provided, single submitter. Criteria: Invitae Variant Classification Sherloc (09022015). Collection method: clinical testing. Allele origin: germline.
Comment: This variant has not been reported in the literature in individuals affected with SCN10A-related conditions. This sequence change replaces phenylalanine, which is neutral and non-polar, with isoleucine, which is neutral and non-polar, at codon 1514 of the SCN10A protein (p.Phe1514Ile). This variant is not present in population databases (gnomAD no frequency). In summary, the available evidence is currently insufficient to determine the role of this variant in disease. Therefore, it has been classified as a Variant of Uncertain Significance. Advanced modeling of protein sequence and biophysical properties (such as structural, functional, and spatial information, amino acid conservation, physicochemical variation, residue mobility, and thermodynamic stability) performed at Invitae indicates that this missense variant is not expected to disrupt SCN10A protein function. ClinVar contains an entry for this variant (Variation ID: 1395842).

NM_006514.4(SCN10A):c.4540T>A (p.Phe1514Ile)

Gene: SCN10A (sodium voltage-gated channel alpha subunit 10; minus strand). Cytogenetic location: 3p22.2.
Variant type: single nucleotide variant.
Coding change: c.4540T>A on transcript NM_006514.4 (MANE Select); coding-DNA position 4540, T replaced by A.
Protein change: p.Phe1514Ile; replaces phenylalanine 1514 with isoleucine.
Molecular consequence: missense variant.
Genome position (GRCh38, 1-based): chr3:38,701,956, A>T on the plus strand (T>A on the coding strand, the complement: SCN10A is on the minus strand). VCF-style: chr3-38701956-A-T. GRCh37 (hg19) VCF-style: chr3-38743447-A-T.
Other names: c.4537T>A, p.Phe1513Ile (NM_001293306.2); c.4246T>A, p.Phe1416Ile (NM_001293307.2); short protein forms F1513I, F1514I, F1416I.
Identifiers: ClinVar variation 1395842 (VCV001395842.6), dbSNP rs776552739, ClinGen allele CA352146211.